The following is an entry in ClinVar:

NM_001177316.2(SLC34A3):c.477C>T (p.Ile159=)

Gene: SLC34A3 (solute carrier family 34 member 3; plus strand). Cytogenetic location: 9q34.3.
Variant type: single nucleotide variant.
Coding change: c.477C>T on transcript NM_001177316.2 (MANE Select); coding-DNA position 477, C replaced by T.
Protein change: p.Ile159=; no amino-acid change (isoleucine 159 retained).
Molecular consequence: synonymous variant.
Genome position (GRCh38, 1-based): chr9:137,233,032, C>T. VCF-style: chr9-137233032-C-T. GRCh37 (hg19) VCF-style: chr9-140127484-C-T.
Other names: p.Ile159=; c.477C>T, p.Ile159= (NM_001177317.2, NM_080877.3).
Identifiers: ClinVar variation 776485 (VCV000776485.15), dbSNP rs116743582, ClinGen allele CA5364431.

ClinVar aggregate classification (germline): Benign/Likely benign. Review status: criteria provided, multiple submitters, no conflicts (2 of 4 stars). 4 submissions from 4 submitters: Benign (1); Likely benign (3). Last evaluated 2026-02-01.

Allele frequency attached by ClinVar (database versions not stated): gnomAD exomes 0.00068 and 0.00217; ExAC 0.00273; ESP Exome Variant Server 0.00738; gnomAD 0.00774 and 0.00813; TOPMed 0.00877; 1000 Genomes Project 0.01098; 1000 Genomes Project 30x 0.01202.
gnomAD v4.1: 2,229 of 1,612,050 alleles (0.14%); highest among the groups gnomAD compares: African/African-American, 2.5%; 23 homozygotes.

Submissions (4):

Labcorp Genetics (formerly Invitae), Labcorp
Classification: Benign. Last evaluated: 2026-02-01. Review status: criteria provided, single submitter. Criteria: Invitae Variant Classification Sherloc (09022015). Collection method: clinical testing. Allele origin: germline.

Mayo Clinic Laboratories, Mayo Clinic
Classification: Likely benign. Last evaluated: 2025-03-04. Review status: criteria provided, single submitter. Criteria: ACMG Guidelines, 2015. Collection method: clinical testing. Allele origin: germline. Observed: 1 variant allele.
Comment: BS1, BP4, BP7

GeneDx
Classification: Likely benign. Last evaluated: 2021-05-21. Review status: criteria provided, single submitter. Criteria: GeneDx Variant Classification Process June 2021. Collection method: clinical testing. Allele origin: germline. Affected: yes.

Breakthrough Genomics
Classification: Likely benign. Review status: criteria provided, single submitter. Criteria: ACMG Guidelines, 2015. Collection method: not provided. Allele origin: germline. Inheritance: Autosomal recessive inheritance. Affected: yes.